The following is an entry in ClinVar:

ClinVar aggregate classification (germline): Uncertain significance (1 of 4 stars; one submission).

Allele frequency attached by ClinVar (database versions not stated): gnomAD exomes below 0.00001; gnomAD 0.00001; TOPMed 0.00002.
gnomAD v4.1: 4 of 1,614,094 alleles (0.00025%); highest among the groups gnomAD compares: Middle Eastern, 0.016%; no homozygotes.

Submission:

Labcorp Genetics (formerly Invitae), Labcorp
Classification: Uncertain significance. Last evaluated: 2023-11-12. Review status: criteria provided, single submitter. Criteria: Invitae Variant Classification Sherloc (09022015). Collection method: clinical testing. Allele origin: germline.
Comment: This sequence change replaces proline, which is neutral and non-polar, with alanine, which is neutral and non-polar, at codon 528 of the MYH3 protein (p.Pro528Ala). This variant is present in population databases (no rsID available, gnomAD 0.007%). This variant has not been reported in the literature in individuals affected with MYH3-related conditions. An algorithm developed to predict the effect of missense changes on protein structure and function (PolyPhen-2) suggests that this variant is likely to be disruptive. In summary, the available evidence is currently insufficient to determine the role of this variant in disease. Therefore, it has been classified as a Variant of Uncertain Significance.

NM_002470.4(MYH3):c.1582C>G (p.Pro528Ala)

Gene: MYH3 (myosin heavy chain 3; minus strand). Cytogenetic location: 17p13.1.
Variant type: single nucleotide variant.
Coding change: c.1582C>G on transcript NM_002470.4 (MANE Select); coding-DNA position 1582, C replaced by G.
Protein change: p.Pro528Ala; replaces proline 528 with alanine.
Molecular consequence: missense variant.
Genome position (GRCh38, 1-based): chr17:10,642,723, G>C on the plus strand (C>G on the coding strand, the complement: MYH3 is on the minus strand). VCF-style: chr17-10642723-G-C. GRCh37 (hg19) VCF-style: chr17-10546040-G-C.
Other names: short protein forms P528A.
Identifiers: ClinVar variation 2880182 (VCV002880182.3), dbSNP rs1251042320, ClinGen allele CA398172227.
Genomic context (GRCh38, chr17:10,642,723, plus strand): 5'-AGGTGTCTGTTGCCTTGGGGAACATGCACTCCTCTTCCAGGATGGAGAAGATGCCCATAG[G>C]CTGGATTGAAGGCAAGGCAAAGTGCAGAGAGGTAAATATGAGCTGCAGTAATGAGCAGAA-3'
Protein context (NP_002461.2, residues 518-538): LAACIELIEK[Pro528Ala]MGIFSILEEE